The following is an entry in ClinVar:

NM_000257.4(MYH7):c.1093A>C (p.Lys365Gln)

Gene: MYH7 (myosin heavy chain 7; minus strand). Cytogenetic location: 14q11.2.
Variant type: single nucleotide variant.
Coding change: c.1093A>C on transcript NM_000257.4 (MANE Select); coding-DNA position 1093, A replaced by C.
Protein change: p.Lys365Gln; replaces lysine 365 with glutamine.
Molecular consequence: missense variant.
Genome position (GRCh38, 1-based): chr14:23,429,820, T>G on the plus strand (A>C on the coding strand, the complement: MYH7 is on the minus strand). VCF-style: chr14-23429820-T-G. GRCh37 (hg19) VCF-style: chr14-23899029-T-G.
Other names: c.1093A>C, p.Lys365Gln (NM_001407004.1); short protein forms K365Q.
Identifiers: ClinVar variation 2120077 (VCV002120077.4), dbSNP rs2502305362, ClinGen allele CA389051370.

ClinVar aggregate classification (germline): Uncertain significance (1 of 4 stars; one submission).

Conditions:
Hypertrophic cardiomyopathy. Also called: HYPERTROPHIC MYOCARDIOPATHY. Identifiers: Orphanet 217569, MedGen C0007194, MeSH D002312, MONDO:0005045, HP:0001639.

Submission:

Labcorp Genetics (formerly Invitae), Labcorp
Classification: Uncertain significance for Hypertrophic cardiomyopathy. Last evaluated: 2022-03-31. Review status: criteria provided, single submitter. Criteria: Invitae Variant Classification Sherloc (09022015). Collection method: clinical testing. Allele origin: germline.
Comment: This variant has not been reported in the literature in individuals affected with MYH7-related conditions. This variant is not present in population databases (gnomAD no frequency). This sequence change replaces lysine, which is basic and polar, with glutamine, which is neutral and polar, at codon 365 of the MYH7 protein (p.Lys365Gln). Algorithms developed to predict the effect of missense changes on protein structure and function are either unavailable or do not agree on the potential impact of this missense change (SIFT: "Deleterious"; PolyPhen-2: "Probably Damaging"; Align-GVGD: "Class C0"). In summary, the available evidence is currently insufficient to determine the role of this variant in disease. Therefore, it has been classified as a Variant of Uncertain Significance. This variant is found within a region of MYH7 between codons 181 and 937 that contains the majority of the myosin head domain. Missense variants in this region have been shown to be significantly overrepresented in individuals with hypertrophic cardiomyopathy (PMID: 27532257).

Literature cited by the submitters: PubMed 27532257.